The following is an entry in ClinVar:

NM_199420.4(POLQ):c.6406G>C (p.Val2136Leu)

Gene: POLQ (DNA polymerase theta; minus strand). Cytogenetic location: 3q13.33.
Variant type: single nucleotide variant.
Coding change: c.6406G>C on transcript NM_199420.4 (MANE Select); coding-DNA position 6406, G replaced by C.
Protein change: p.Val2136Leu; replaces valine 2136 with leucine.
Molecular consequence: missense variant.
Genome position (GRCh38, 1-based): chr3:121,473,487, C>G on the plus strand (G>C on the coding strand, the complement: POLQ is on the minus strand). VCF-style: chr3-121473487-C-G. GRCh37 (hg19) VCF-style: chr3-121192334-C-G.
Other names: short protein forms V2136L.
Identifiers: ClinVar variation 1753355 (VCV001753355.2), dbSNP rs1321406924, ClinGen allele CA354086266.
Genomic context (GRCh38, chr3:121,473,487, plus strand): 5'-TCTTGCTGCCTTGGTTTTTCATCTCTCTATTTGGGGGCAACTTCAATTCCAAAAATAAAA[C>G]CTGCAAGAAATTAATGTCTCTTTAGTCAAGAATGAAACTTGCAAGGATTATCATTCAGAA-3'
Protein context (NP_955452.3, residues 2126-2146): SFTSSDDIAE[Val2136Leu]LFLELKLPPN

ClinVar aggregate classification (germline): Uncertain significance (1 of 4 stars; one submission).

Allele frequency attached by ClinVar (database versions not stated): gnomAD 0.00001; TOPMed 0.00001.
gnomAD v4.1: 2 of 1,609,378 alleles (0.00012%); highest among the groups gnomAD compares: Non-Finnish European, 0.00017%; no homozygotes.

Submission:

Ambry Genetics
Classification: Uncertain significance. Last evaluated: 2023-11-15. Review status: criteria provided, single submitter. Criteria: Ambry Variant Classification Scheme 2023. Collection method: clinical testing. Allele origin: germline.
Comment: The p.V2136L variant (also known as c.6406G>C) is located in coding exon 21 of the POLQ gene. The valine at codon 2136 is replaced by leucine, an amino acid with highly similar properties. This change occurs in the first base pair of coding exon 21. This amino acid position is conserved. In addition, this alteration is predicted to be tolerated by in silico analysis. Since supporting evidence is limited at this time, the clinical significance of this alteration remains unclear.